The following is an entry in ClinVar:

NM_000059.4(BRCA2):c.2235del (p.Val746fs)

Gene: BRCA2 (BRCA2 DNA repair associated; plus strand). Cytogenetic location: 13q13.1.
Variant type: Deletion.
Coding change: c.2235del on transcript NM_000059.4 (MANE Select); coding-DNA position 2235, one base deleted (A; older notation c.2235delA).
Protein change: p.Val746fs; shifts the reading frame from valine 746.
Molecular consequence: frameshift variant.
Genome position (GRCh38, 1-based): chr13:32,336,590, A deleted; the last of 4 consecutive A bases (chr13:32,336,587-32,336,590); deleting any one gives the same sequence. VCF-style (leftmost placement, unchanged base first): chr13-32336586-CA-C. GRCh37 (hg19) VCF-style: chr13-32910723-CA-C.
Other names: c.2235delA (NM_000059.3); short protein forms V746fs.
Identifiers: ClinVar variation 409589 (VCV000409589.9), dbSNP rs1060502484, ClinGen allele CA16613853.

ClinVar aggregate classification (germline): Pathogenic. Review status: reviewed by expert panel (3 of 4 stars). 3 submissions from 3 submitters: Pathogenic (1). 2 of the submissions do not count toward it. Last evaluated 2017-12-15.

Conditions:
Hereditary breast ovarian cancer syndrome. Also called: Hereditary breast and ovarian cancer syndrome; Hereditary breast and/or ovarian cancer syndrome; BRCA1- and BRCA2-Associated Hereditary Breast and Ovarian Cancer; Hereditary breast and ovarian cancer syndrome (HBOC); Hereditary breast and ovarian cancer; Breast and ovarian cancer. Identifiers: Orphanet 145, MedGen C0677776, MeSH D061325, MONDO:0003582. Disease mechanism: loss of function.
Breast-ovarian cancer, familial, susceptibility to, 2 (BROVCA2). Also called: BRCA2 Hereditary Breast and Ovarian Cancer. Identifiers: Orphanet 145, MedGen C2675520, MONDO:0012933, OMIM 612555. Disease mechanism: loss of function.
Hereditary cancer-predisposing syndrome. Also called: Hereditary neoplastic syndrome; Neoplastic Syndromes, Hereditary; Tumor predisposition; Hereditary Cancer Syndrome. Identifiers: Orphanet 140162, MedGen C0027672, MeSH D009386, MONDO:0015356.

Submissions (3):

Evidence-based Network for the Interpretation of Germline Mutant Alleles (ENIGMA)
Classification: Pathogenic for Breast-ovarian cancer, familial, susceptibility to, 2. Last evaluated: 2017-12-15. Review status: reviewed by expert panel. Criteria: ENIGMA BRCA1/2 Classification Criteria (2017-06-29). Collection method: curation. Allele origin: germline. Study: ENIGMA.
Comment: Variant allele predicted to encode a truncated non-functional protein.

Labcorp Genetics (formerly Invitae), Labcorp
Classification: Pathogenic for Hereditary breast ovarian cancer syndrome. Last evaluated: 2020-07-21. Review status: criteria provided, single submitter. Criteria: Invitae Variant Classification Sherloc (09022015). Collection method: clinical testing. Allele origin: germline. Not counted in ClinVar's aggregate classification.
Comment: For these reasons, this variant has been classified as Pathogenic. Loss-of-function variants in BRCA2 are known to be pathogenic (PMID: 20104584). This variant has not been reported in the literature in individuals with BRCA2-related conditions. ClinVar contains an entry for this variant (Variation ID: 409589). This variant is not present in population databases (ExAC no frequency). This sequence change creates a premature translational stop signal (p.Val746Trpfs*26) in the BRCA2 gene. It is expected to result in an absent or disrupted protein product.

Color Diagnostics, LLC DBA Color Health
Classification: Pathogenic for Hereditary cancer-predisposing syndrome. Last evaluated: 2020-05-20. Review status: criteria provided, single submitter. Criteria: ACMG Guidelines, 2015. Collection method: clinical testing. Allele origin: germline. Not counted in ClinVar's aggregate classification.
Comment: This variant deletes 1 nucleotide in exon 11 of the BRCA2 gene, creating a frameshift and premature translation stop signal. This variant is expected to result in an absent or non-functional protein product. To our knowledge, this variant has not been reported in individuals affected with hereditary cancer in the literature. This variant has not been identified in the general population by the Genome Aggregation Database (gnomAD). Loss of BRCA2 function is a known mechanism of disease. Based on the available evidence, this variant is classified as Pathogenic.

Literature cited by the submitters: PubMed 20104584 (cited by Labcorp Genetics (formerly Invitae), Labcorp).